The following is an entry in ClinVar:

NM_198253.3(TERT):c.*63C>T

Gene: TERT (telomerase reverse transcriptase; minus strand). Cytogenetic location: 5p15.33.
Variant type: single nucleotide variant.
Coding change: c.*63C>T on transcript NM_198253.3 (MANE Select); 63 bases downstream of the stop codon, C replaced by T.
Molecular consequence: 3 prime UTR variant. On other transcripts: non-coding transcript variant (2).
Genome position (GRCh38, 1-based): chr5:1,253,665, G>A on the plus strand (C>T on the coding strand, the complement: TERT is on the minus strand). VCF-style: chr5-1253665-G-A. GRCh37 (hg19) VCF-style: chr5-1253780-G-A.
Other names: c.*63C>T (NM_001193376.3).
Identifiers: ClinVar variation 350516 (VCV000350516.8), dbSNP rs5031049, ClinGen allele CA10619928.
Genomic context (GRCh38, chr5:1,253,665, plus strand): 5'-CAGGCCTCAGACTCCCAGCGGTGCGGGCCTGGGTGTGGGCCGCCCCTCCCTCCCTGGGAC[G>A]TAGAGCCCGGCGTGACAGGGCTGCTGGTGTCTGCTCTCGGCCTGGCTGTGGGCGGGTGGC-3'

ClinVar aggregate classification (germline): Benign/Likely benign. Review status: criteria provided, multiple submitters, no conflicts (2 of 4 stars). 4 submissions from 2 submitters: Benign (3); Likely benign (1). Last evaluated 2019-02-14.

Conditions:
Aplastic anemia. Identifiers: Orphanet 182040, Orphanet 88, MedGen C0002874, MONDO:0015909, OMIM 609135, HP:0001915.
Pulmonary fibrosis and/or bone marrow failure, Telomere-related, 1. Also called: PULMONARY FIBROSIS AND/OR BONE MARROW FAILURE SYNDROME, TELOMERE-RELATED, 1. Identifiers: Orphanet 88, MedGen C3553617, MONDO:0013878, OMIM 614742.
Dyskeratosis congenita, autosomal dominant 2. Identifiers: MedGen C3151443, MONDO:0013521, OMIM 613989.

Allele frequency attached by ClinVar (database versions not stated): gnomAD 0.01057 and 0.01135; TOPMed 0.01222; 1000 Genomes Project 0.01278; 1000 Genomes Project 30x 0.01327.
gnomAD v4.1: 3,112 of 1,435,942 alleles (0.22%); highest among the groups gnomAD compares: African/African-American, 3.6%; 49 homozygotes.

Submissions (4):

GeneDx
Classification: Likely benign. Last evaluated: 2019-02-14. Review status: criteria provided, single submitter. Criteria: GeneDx Variant Classification Process June 2021. Collection method: clinical testing. Allele origin: germline. Affected: yes.

Illumina Laboratory Services, Illumina
Classification: Benign for Pulmonary fibrosis and/or bone marrow failure, Telomere-related, 1. Last evaluated: 2018-01-13. Review status: criteria provided, single submitter. Criteria: ICSL Variant Classification Criteria 13 December 2019. Collection method: clinical testing. Allele origin: germline.
Comment: This variant was observed in the ICSL laboratory as part of a predisposition screen in an ostensibly healthy population. It had not been previously curated by ICSL or reported in the Human Gene Mutation Database (HGMD: prior to June 1st, 2018), and was therefore a candidate for classification through an automated scoring system. Utilizing variant allele frequency, disease prevalence and penetrance estimates, and inheritance mode, an automated score was calculated to assess if this variant is too frequent to cause the disease. Based on the score and internal cut-off values, a variant classified as benign is not then subjected to further curation. The score for this variant resulted in a classification of benign for this disease.

Illumina Laboratory Services, Illumina
Classification: Benign for Aplastic anemia. Last evaluated: 2018-01-13. Review status: criteria provided, single submitter. Criteria: ICSL Variant Classification Criteria 13 December 2019. Collection method: clinical testing. Allele origin: germline.
Comment: the same text as in the submission from Illumina Laboratory Services, Illumina above.

Illumina Laboratory Services, Illumina
Classification: Benign for Dyskeratosis congenita, autosomal dominant 2. Last evaluated: 2018-01-13. Review status: criteria provided, single submitter. Criteria: ICSL Variant Classification Criteria 13 December 2019. Collection method: clinical testing. Allele origin: germline.
Comment: the same text as in the submission from Illumina Laboratory Services, Illumina above.